The following is an entry in ClinVar:

NM_001165963.4(SCN1A):c.3038_3044del (p.Gln1013fs)

Gene: SCN1A (sodium voltage-gated channel alpha subunit 1; minus strand). Cytogenetic location: 2q24.3.
Variant type: Deletion.
Coding change: c.3038_3044del on transcript NM_001165963.4 (MANE Select); coding-DNA positions 3038 to 3044, 7 bases deleted (AAATTGC; older notation c.3038_3044delAAATTGC).
Protein change: p.Gln1013fs; shifts the reading frame from glutamine 1013.
Molecular consequence: frameshift variant. On other transcripts: non-coding transcript variant (1).
Genome position (GRCh38, 1-based): chr2:166,036,433-166,036,439, GCAATTT deleted on the plus strand (AAATTGC on the coding strand, the reverse complement: SCN1A is on the minus strand); deleting any 7 consecutive bases within chr2:166,036,433-166,036,440 gives the same sequence; the c. name uses the placement nearest the transcript's 3' end. VCF-style (leftmost placement, unchanged base first): chr2-166036432-AGCAATTT-A. GRCh37 (hg19) VCF-style: chr2-166892942-AGCAATTT-A.
Other names: c.3038_3044delAAATTGC (NM_001165963.4); c.2954_2960del, p.Gln985fs (NM_001165964.3, NM_001353957.2, NM_001353958.2); c.3038_3044del, p.Gln1013fs (NM_001202435.3, NM_001353948.2); c.3005_3011del, p.Gln1002fs (NM_001353949.2, NM_001353950.2, NM_001353951.2 and 2 more transcripts); c.3002_3008del, p.Gln1001fs (NM_001353954.2, NM_001353955.2); c.2951_2957del, p.Gln984fs (NM_001353960.2); c.596_602del, p.Gln199fs (NM_001353961.2); short protein forms Q1001fs, Q1002fs, Q1013fs, Q199fs, Q984fs, Q985fs.
Identifiers: ClinVar variation 2430171 (VCV002430171.2), dbSNP rs2468080465, ClinGen allele CA2580064340.

ClinVar aggregate classification (germline): Likely pathogenic (1 of 4 stars; one submission).

Conditions:
Severe myoclonic epilepsy in infancy (DRVT). Also called: Epileptic encephalopathy, early infantile, 6 (Dravet syndrome); SEVERE MYOCLONIC EPILEPSY OF INFANCY; DEVELOPMENTAL AND EPILEPTIC ENCEPHALOPATHY 6A; Severe Myoclonic Epilepsy in Infancy (SMEI); Dravet syndrome. Identifiers: Orphanet 33069, MedGen C0751122, MONDO:0100135, OMIM 607208.

Submission:

Lifecell International Pvt. Ltd
Classification: Likely pathogenic for Severe myoclonic epilepsy in infancy. Review status: criteria provided, single submitter. Criteria: ACMG Guidelines, 2015. Collection method: clinical testing. Allele origin: germline. Inheritance: Autosomal dominant inheritance. Affected: yes. Observed: 1 heterozygote.
Comment: The frameshift deletion NM_001165963.4 (SCN1A):c.3038_3044delAAATTGC (p.Gln1013Leufs*9) has not been reported previously as a pathogenic variant nor as a benign variant, to our knowledge. The p.Gln1013Leufs*9 variant is novel (not in any individuals) in gnomAD. The p.Gln1013Leufs*9 variant is novel (not in any individuals) in 1kG. This variant is predicted to cause loss of normal protein function through protein truncation caused a frameshift mutation. The frame shifted sequence continues 9 residues until a stop codon is reached. This variant is a frameshift variant which occurs in an exon of SCN1A upstream of where nonsense mediated decay is predicted to occur. There are 279 downstream pathogenic loss of function variants, with the furthest variant being 920 residues downstream of this variant. This indicates that the region is critical to protein function. The gene SCN1A has a low rate of benign loss of function variants as indicated by a low upper bound of the observed/expected confidence interval 0.07. The p.Gln1013Leufs*9 variant is a loss of function variant in the gene SCN1A, which is intolerant of Loss of Function variants, as indicated by the presence of existing pathogenic loss of function variant NP_001159435.1:p.M1I and 513 others. For these reasons, this variant has been classified as Likely Pathogenic.